The following is an entry in ClinVar:

ClinVar aggregate classification (germline): Uncertain significance. Review status: criteria provided, multiple submitters, no conflicts (2 of 4 stars). 2 submissions from 2 submitters: Uncertain significance (2). Last evaluated 2023-02-16.

Conditions:
Deficiency of ferroxidase (ACEP). Also called: Aceruloplasminemia; Deficiency of ceruloplasmin; NEURODEGENERATION WITH BRAIN IRON ACCUMULATION 10; Ceruloplasmin deficiency; Familial apoceruloplasmin deficiency; Hereditary ceruloplasmin deficiency. Identifiers: Orphanet 48818, MedGen C0878682, MONDO:0011426, OMIM 604290, HP:0025498.
Inborn genetic diseases. Identifiers: MedGen C0950123, MeSH D030342.

Allele frequency attached by ClinVar (database versions not stated): ExAC 0.00002.
gnomAD v4.1: 16 of 1,612,750 alleles (0.00099%); highest among the groups gnomAD compares: Admixed American, 0.027%; no homozygotes.

Submissions (2):

Ambry Genetics
Classification: Uncertain significance for Inborn genetic diseases. Last evaluated: 2023-02-16. Review status: criteria provided, single submitter. Criteria: Ambry Variant Classification Scheme 2023. Collection method: clinical testing. Allele origin: germline.

Labcorp Genetics (formerly Invitae), Labcorp
Classification: Uncertain significance for Deficiency of ferroxidase. Last evaluated: 2022-07-19. Review status: criteria provided, single submitter. Criteria: Invitae Variant Classification Sherloc (09022015). Collection method: clinical testing. Allele origin: germline.
Comment: This sequence change replaces histidine, which is basic and polar, with glutamine, which is neutral and polar, at codon 39 of the CP protein (p.His39Gln). This variant is present in population databases (rs770263704, gnomAD 0.04%). This variant has not been reported in the literature in individuals affected with CP-related conditions. Algorithms developed to predict the effect of missense changes on protein structure and function (SIFT, PolyPhen-2, Align-GVGD) all suggest that this variant is likely to be tolerated. In summary, the available evidence is currently insufficient to determine the role of this variant in disease. Therefore, it has been classified as a Variant of Uncertain Significance.

NM_000096.4(CP):c.117T>A (p.His39Gln)

Gene: CP (ceruloplasmin; minus strand). Cytogenetic location: 3q25.1.
Variant type: single nucleotide variant.
Coding change: c.117T>A on transcript NM_000096.4 (MANE Select); coding-DNA position 117, T replaced by A.
Protein change: p.His39Gln; replaces histidine 39 with glutamine.
Molecular consequence: missense variant. On other transcripts: non-coding transcript variant (1).
Genome position (GRCh38, 1-based): chr3:149,221,676, A>T on the plus strand (T>A on the coding strand, the complement: CP is on the minus strand). VCF-style: chr3-149221676-A-T. GRCh37 (hg19) VCF-style: chr3-148939463-A-T.
Other names: c.117T>A (NM_000096.3); short protein forms H39Q.
Identifiers: ClinVar variation 2152841 (VCV002152841.3), dbSNP rs770263704, ClinGen allele CA2661402.